The following is an entry in ClinVar:

ClinVar aggregate classification (germline): Pathogenic/Likely pathogenic. Review status: criteria provided, multiple submitters, no conflicts (2 of 4 stars). 7 submissions from 7 submitters: Pathogenic (5); Likely pathogenic (2). Last evaluated 2023-12-16.

Conditions:
Developmental and epileptic encephalopathy, 42 (DEE42A). Also called: Epileptic encephalopathy, early infantile, 42; DEVELOPMENTAL AND EPILEPTIC ENCEPHALOPATHY 42A; EPILEPTIC ENCEPHALOPATHY, EARLY INFANTILE, 42A. Identifiers: MedGen C4310716, MONDO:0014917, OMIM 617106.
Spinocerebellar ataxia type 6 (SCA6). Identifiers: Orphanet 98758, MedGen C0752124, MONDO:0008457, OMIM 183086.
Episodic ataxia type 2 (EA2). Also called: ATAXIA, EPISODIC, WITH NYSTAGMUS; ATAXIA, FAMILIAL PAROXYSMAL; CEREBELLAR ATAXIA, PAROXYSMAL, ACETAZOLAMIDE-RESPONSIVE; CEREBELLOPATHY, HEREDITARY PAROXYSMAL; EPISODIC ATAXIA, NYSTAGMUS-ASSOCIATED; ACETAZOLAMIDE-RESPONSIVE HEREDITARY PAROXYSMAL CEREBELLAR ATAXIA. Identifiers: Orphanet 97, MedGen C1720416, MONDO:0007163, OMIM 108500.
Migraine, familial hemiplegic, 1. Also called: MIGRAINE, FAMILIAL HEMIPLEGIC 1, WITH PROGRESSIVE CEREBELLAR ATAXIA. Identifiers: Orphanet 569, MedGen C1832884, MONDO:0020756, OMIM 141500, MONDO:0007714.
Developmental and epileptic encephalopathy, 52 (DEE52). Also called: Epileptic encephalopathy, early infantile, 52. Identifiers: MedGen C4479236, MONDO:0033361, OMIM 617350.

Submissions (7):

3billion
Classification: Pathogenic for Developmental and epileptic encephalopathy, 42. Last evaluated: 2023-12-16. Review status: criteria provided, single submitter. Criteria: ACMG Guidelines, 2015. Collection method: clinical testing. Allele origin: germline. Affected: yes.
Comment: The variant is not observed in the gnomAD v2.1.1 dataset. Predicted Consequence/Location: Missense variant In silico tool predictions suggest damaging effect of the variant on gene or gene product [REVEL: 0.92 (>=0.6, sensitivity 0.68 and specificity 0.92); 3Cnet: 0.32 (>=0.6, sensitivity 0.72 and precision 0.9)]. Same nucleotide change resulting in same amino acid change has been previously reported as pathogenic/likely pathogenic with strong evidence (ClinVar ID: VCV000420055 /PMID: 24091540 /3billion dataset). The variant has been previously reported as de novo in a similarly affected individual (PMID: 24091540). A different missense change at the same codon (p.Ser1798Pro) has been reported to be associated with CACNA1A-related disorder (ClinVar ID: VCV000624124). However the evidence of pathogenicity is insufficient at this time. Therefore, this variant is classified as Pathogenic according to the recommendation of ACMG/AMP guideline.

GeneDx
Classification: Pathogenic. Last evaluated: 2022-07-27. Review status: criteria provided, single submitter. Criteria: GeneDx Variant Classification Process June 2021. Collection method: clinical testing. Allele origin: germline. Affected: yes.
Comment: Not observed at significant frequency in large population cohorts (gnomAD); In silico analysis, which includes protein predictors and evolutionary conservation, supports a deleterious effect; This variant is associated with the following publications: (PMID: 32899500, 32458086, 24091540, 32116539, 35219921, Kubota2021[Case Report])

Wendy Chung Laboratory, Boston Children's Hospital
Classification: Likely pathogenic for Developmental and epileptic encephalopathy, 52; Episodic ataxia type 2; Migraine, familial hemiplegic, 1; Spinocerebellar ataxia type 6. Last evaluated: 2022-03-20. Review status: criteria provided, single submitter. Criteria: ACMG Guidelines, 2015. Collection method: clinical testing. Allele origin: de novo. Affected: yes.

Labcorp Genetics (formerly Invitae), Labcorp
Classification: Pathogenic for Developmental and epileptic encephalopathy, 42; Episodic ataxia type 2. Last evaluated: 2021-08-20. Review status: criteria provided, single submitter. Criteria: Invitae Variant Classification Sherloc (09022015). Collection method: clinical testing. Allele origin: germline.
Comment: For these reasons, this variant has been classified as Pathogenic. Advanced modeling of protein sequence and biophysical properties (such as structural, functional, and spatial information, amino acid conservation, physicochemical variation, residue mobility, and thermodynamic stability) performed at Invitae indicates that this missense variant is expected to disrupt CACNA1A protein function. ClinVar contains an entry for this variant (Variation ID: 420055). This variant has been observed in individual(s) with CACNA1A-related conditions (PMID: 24091540). In at least one individual the variant was observed to be de novo. This variant is not present in population databases (ExAC no frequency). This sequence change replaces serine with leucine at codon 1799 of the CACNA1A protein (p.Ser1799Leu). The serine residue is highly conserved and there is a large physicochemical difference between serine and leucine.

Institute of Medical Genetics and Applied Genomics, University Hospital Tübingen
Classification: Likely pathogenic. Last evaluated: 2020-10-23. Review status: criteria provided, single submitter. Criteria: ACMG Guidelines, 2015. Collection method: clinical testing. Allele origin: germline. Inheritance: Autosomal dominant inheritance. Affected: yes.

Rady Children's Institute for Genomic Medicine, Rady Children's Hospital San Diego
Classification: Pathogenic for EPILEPTIC ENCEPHALOPATHY, EARLY INFANTILE, 42. Last evaluated: 2018-07-30. Review status: criteria provided, single submitter. Criteria: ACMG Guidelines, 2015. Collection method: clinical testing. Allele origin: germline. Affected: yes. Observed: 1 variant allele.
Comment: This variant has been previously reported as a pathogenic variant by a clinical laboratory in ClinVar (Variation ID: 420055) and has been reported de novo change in a patient with ataxia, dysmetria, oculomotor apraxia, intention tremor, developmental delay, intellectual disability, lack of speech, hypotonia, and epileptic seizures (PMID: 24091540). It is absent from the ExAC and gnomAD population databases and thus is presumed to be rare. The c.5393C>T (p.Ser1798Leu) variant affects a highly conserved amino acid and is predicted by multiple in silico tools to have a deleterious effect on protein function. Analysis of the parental samples showed the mother is negative and the father is negative for this variant, indicating an apparently de novo event. Based on the available evidence, the c.5393C>T (p.Ser1798Leu) variant is classified as pathogenic.

Baylor Genetics
Classification: Pathogenic for Developmental and epileptic encephalopathy, 42. Last evaluated: 2018-02-06. Review status: criteria provided, single submitter. Criteria: ACMG Guidelines, 2015. Collection method: clinical testing. Allele origin: unknown. Affected: yes.
Comment: This variant was determined to be pathogenic according to ACMG Guidelines, 2015 [PMID:25741868].

Literature cited by the submitters: PubMed 24091540 (cited by 3 submitters).

NM_001127222.2(CACNA1A):c.5393C>T (p.Ser1798Leu)

Gene: CACNA1A (calcium voltage-gated channel subunit alpha1 A; minus strand). Cytogenetic location: 19p13.13.
Variant type: single nucleotide variant.
Coding change: c.5393C>T on transcript NM_001127222.2 (MANE Select); coding-DNA position 5393, C replaced by T.
Protein change: p.Ser1798Leu; replaces serine 1798 with leucine.
Molecular consequence: missense variant.
Genome position (GRCh38, 1-based): chr19:13,231,717, G>A on the plus strand (C>T on the coding strand, the complement: CACNA1A is on the minus strand). VCF-style: chr19-13231717-G-A. GRCh37 (hg19) VCF-style: chr19-13342531-G-A.
Other names: c.5411C>T, p.Ser1804Leu (NM_000068.4, NM_023035.3); c.5396C>T, p.Ser1799Leu (NM_001127221.2); c.5402C>T, p.Ser1801Leu (NM_001174080.2); short protein forms S1799L, S1804L, S1798L, S1801L.
Identifiers: ClinVar variation 420055 (VCV000420055.17), dbSNP rs1064794261, ClinGen allele CA16620778.